The following is an entry in ClinVar:

ClinVar aggregate classification (germline): Uncertain significance (1 of 4 stars; one submission).

Submission:

Labcorp Genetics (formerly Invitae), Labcorp
Classification: Uncertain significance. Last evaluated: 2024-08-31. Review status: criteria provided, single submitter. Criteria: Invitae Variant Classification Sherloc (09022015). Collection method: clinical testing. Allele origin: germline.
Comment: This sequence change replaces isoleucine, which is neutral and non-polar, with threonine, which is neutral and polar, at codon 86 of the TBX20 protein (p.Ile86Thr). This variant is not present in population databases (gnomAD no frequency). This variant has not been reported in the literature in individuals affected with TBX20-related conditions. Invitae Evidence Modeling of protein sequence and biophysical properties (such as structural, functional, and spatial information, amino acid conservation, physicochemical variation, residue mobility, and thermodynamic stability) indicates that this missense variant is not expected to disrupt TBX20 protein function with a negative predictive value of 80%. In summary, the available evidence is currently insufficient to determine the role of this variant in disease. Therefore, it has been classified as a Variant of Uncertain Significance.

NM_001077653.2(TBX20):c.257T>C (p.Ile86Thr)

Gene: TBX20 (T-box transcription factor 20; minus strand). Cytogenetic location: 7p14.2.
Variant type: single nucleotide variant.
Coding change: c.257T>C on transcript NM_001077653.2 (MANE Select); coding-DNA position 257, T replaced by C.
Protein change: p.Ile86Thr; replaces isoleucine 86 with threonine.
Molecular consequence: missense variant.
Genome position (GRCh38, 1-based): chr7:35,250,074, A>G on the plus strand (T>C on the coding strand, the complement: TBX20 is on the minus strand). VCF-style: chr7-35250074-A-G. GRCh37 (hg19) VCF-style: chr7-35289686-A-G.
Other names: c.257T>C, p.Ile86Thr (NM_001166220.1); short protein forms I86T.
Identifiers: ClinVar variation 3647988 (VCV003647988.2).